The following is an entry in ClinVar:

ClinVar aggregate classification (germline): Uncertain significance (1 of 4 stars; one submission).

gnomAD v4.1: 103 of 1,613,588 alleles (0.0064%); highest among the groups gnomAD compares: Non-Finnish European, 0.0079%; no homozygotes.

Submission:

Labcorp Genetics (formerly Invitae), Labcorp
Classification: Uncertain significance. Last evaluated: 2025-12-16. Review status: criteria provided, single submitter. Criteria: Invitae Variant Classification Sherloc (09022015). Collection method: clinical testing. Allele origin: germline.
Comment: This sequence change replaces arginine, which is basic and polar, with cysteine, which is neutral and slightly polar, at codon 108 of the RPL27 protein (p.Arg108Cys). This variant is present in population databases (rs138826063, gnomAD 0.005%). This variant has not been reported in the literature in individuals affected with RPL27-related conditions. An algorithm developed to predict the effect of missense changes on protein structure and function (PolyPhen-2) suggests that this variant is likely to be tolerated. In summary, the available evidence is currently insufficient to determine the role of this variant in disease. Therefore, it has been classified as a Variant of Uncertain Significance.

NM_000988.5(RPL27):c.322C>T (p.Arg108Cys)

Gene: RPL27 (ribosomal protein L27; plus strand). Cytogenetic location: 17q21.31.
Variant type: single nucleotide variant.
Coding change: c.322C>T on transcript NM_000988.5 (MANE Select); coding-DNA position 322, C replaced by T.
Protein change: p.Arg108Cys; replaces arginine 108 with cysteine.
Molecular consequence: missense variant. On other transcripts: non-coding transcript variant (1).
Genome position (GRCh38, 1-based): chr17:43,002,743, C>T. VCF-style: chr17-43002743-C-T. GRCh37 (hg19) VCF-style: chr17-41154760-C-T.
Other names: c.322C>T, p.Arg108Cys (NM_001349921.2, NM_001349922.2); short protein forms R108C.
Identifiers: ClinVar variation 4753702 (VCV004753702.1).